The following is an entry in ClinVar:

ClinVar aggregate classification (germline): Uncertain significance (1 of 4 stars; one submission).

Submission:

Women's Health and Genetics/Laboratory Corporation of America, LabCorp
Classification: Uncertain significance. Last evaluated: 2026-02-25. Review status: criteria provided, single submitter. Criteria: LabCorp Variant Classification Summary - May 2015. Collection method: clinical testing. Allele origin: germline.
Comment: Variant summary: CTNS c.970+5G>C alters a conserved nucleotide located close to a canonical splice site and therefore could affect mRNA splicing, leading to a significantly altered protein sequence. Several computational tools predict a significant impact on normal splicing: Four predict the variant weakens a 5' donor site. However, these predictions have yet to be confirmed by functional studies. The variant was absent in 250580 control chromosomes (gnomAD). The available data on variant occurrences in the general population are insufficient to allow any conclusion about variant significance. To our knowledge, no occurrence of c.970+5G>C in individuals affected with CTNS-related conditions and no experimental evidence demonstrating its impact on protein function have been reported. No submitters have cited clinical-significance assessments for this variant to ClinVar. Based on the evidence outlined above, the variant was classified as uncertain significance.

NM_004937.3(CTNS):c.970+5G>C

Gene: CTNS (cystinosin, lysosomal cystine transporter; plus strand). Cytogenetic location: 17p13.2.
Variant type: single nucleotide variant.
Coding change: c.970+5G>C on transcript NM_004937.3 (MANE Select); 5 bases into the intron after coding-DNA position 970, G replaced by C.
Molecular consequence: intron variant.
Genome position (GRCh38, 1-based): chr17:3,659,980, G>C. VCF-style: chr17-3659980-G-C. GRCh37 (hg19) VCF-style: chr17-3563274-G-C.
Other names: c.970+5G>C (NM_001031681.3, NM_001374492.1); c.529+5G>C (NM_001374493.1, NM_001374495.1, NM_001374494.1 and 1 more transcripts).
Identifiers: ClinVar variation 4847888 (VCV004847888.1).